The following is an entry in ClinVar:

ClinVar aggregate classification (germline): Uncertain significance (1 of 4 stars; one submission).

Conditions:
Xeroderma pigmentosum, group F (XPF). Also called: XERODERMA PIGMENTOSUM VI; XP, GROUP F; XERODERMA PIGMENTOSUM, COMPLEMENTATION GROUP F; ERCC4-Related Xeroderma Pigmentosum; XERODERMA PIGMENTOSUM, TYPE F; Xeroderma pigmentosum, type 6. Identifiers: MedGen C0268140, MONDO:0010215, OMIM 278760.
Cockayne syndrome. Identifiers: Orphanet 191, MedGen C0009207, MONDO:0016006.
Fanconi anemia complementation group Q. Identifiers: Orphanet 84, MedGen C3808988, MONDO:0014108, OMIM 615272.

Allele frequency attached by ClinVar (database versions not stated): ExAC 0.00001; TOPMed 0.00002; gnomAD 0.00003 and 0.00004.
gnomAD v4.1: 28 of 1,613,996 alleles (0.0017%); highest among the groups gnomAD compares: Non-Finnish European, 0.0023%; no homozygotes.

Submission:

Labcorp Genetics (formerly Invitae), Labcorp
Classification: Uncertain significance for Fanconi anemia complementation group Q; Xeroderma pigmentosum, group F; Cockayne syndrome. Last evaluated: 2022-09-29. Review status: criteria provided, single submitter. Criteria: Invitae Variant Classification Sherloc (09022015). Collection method: clinical testing. Allele origin: germline.
Comment: This sequence change replaces aspartic acid, which is acidic and polar, with glutamic acid, which is acidic and polar, at codon 582 of the ERCC4 protein (p.Asp582Glu). This variant is present in population databases (rs775278986, gnomAD 0.003%). This missense change has been observed in individual(s) with pancreatic ductal adenocarcinoma (PMID: 28767289). ClinVar contains an entry for this variant (Variation ID: 1388082). Advanced modeling of protein sequence and biophysical properties (such as structural, functional, and spatial information, amino acid conservation, physicochemical variation, residue mobility, and thermodynamic stability) performed at Invitae indicates that this missense variant is not expected to disrupt ERCC4 protein function. In summary, the available evidence is currently insufficient to determine the role of this variant in disease. Therefore, it has been classified as a Variant of Uncertain Significance.

Literature cited by the submitters: PubMed 28767289.

NM_005236.3(ERCC4):c.1746C>G (p.Asp582Glu)

Gene: ERCC4 (ERCC excision repair 4, endonuclease catalytic subunit; plus strand). Cytogenetic location: 16p13.12.
Variant type: single nucleotide variant.
Coding change: c.1746C>G on transcript NM_005236.3 (MANE Select); coding-DNA position 1746, C replaced by G.
Protein change: p.Asp582Glu; replaces aspartic acid 582 with glutamic acid.
Molecular consequence: missense variant.
Genome position (GRCh38, 1-based): chr16:13,935,678, C>G. VCF-style: chr16-13935678-C-G. GRCh37 (hg19) VCF-style: chr16-14029535-C-G.
Other names: short protein forms D582E.
Identifiers: ClinVar variation 1388082 (VCV001388082.5), dbSNP rs775278986, ClinGen allele CA7910527.